The following is an entry in ClinVar:

NM_004360.5(CDH1):c.924T>G (p.Asp308Glu)

Gene: CDH1 (cadherin 1; plus strand). Cytogenetic location: 16q22.1.
Variant type: single nucleotide variant.
Coding change: c.924T>G on transcript NM_004360.5 (MANE Select); coding-DNA position 924, T replaced by G.
Protein change: p.Asp308Glu; replaces aspartic acid 308 with glutamic acid.
Molecular consequence: missense variant. On other transcripts: 5 prime UTR variant (2).
Genome position (GRCh38, 1-based): chr16:68,811,775, T>G. VCF-style: chr16-68811775-T-G. GRCh37 (hg19) VCF-style: chr16-68845678-T-G.
Other names: c.924T>G, p.Asp308Glu (NM_001317184.2); c.-692T>G (NM_001317185.2); c.-896T>G (NM_001317186.2); short protein forms D308E.
Identifiers: ClinVar variation 1766336 (VCV001766336.6), dbSNP rs1555515629, ClinGen allele CA396459728.

ClinVar aggregate classification (germline): Conflicting classifications of pathogenicity. Review status: criteria provided, conflicting classifications (1 of 4 stars). 2 submissions from 2 submitters: Uncertain significance (1); Likely benign (1). Last evaluated 2025-03-10.

Conditions:
Hereditary cancer-predisposing syndrome. Also called: Neoplastic Syndromes, Hereditary; Tumor predisposition; Hereditary neoplastic syndrome; Hereditary Cancer Syndrome. Identifiers: Orphanet 140162, MedGen C0027672, MeSH D009386, MONDO:0015356.
Hereditary diffuse gastric adenocarcinoma (HDGC). Also called: DIFFUSE GASTRIC AND LOBULAR BREAST CANCER SYNDROME. Identifiers: Orphanet 26106, MedGen C1708349, MONDO:0007648, OMIM 137215.

Submissions (2):

Labcorp Genetics (formerly Invitae), Labcorp
Classification: Uncertain significance for Hereditary diffuse gastric adenocarcinoma. Last evaluated: 2025-03-10. Review status: criteria provided, single submitter. Criteria: Invitae Variant Classification Sherloc (09022015). Collection method: clinical testing. Allele origin: germline.
Comment: This sequence change replaces aspartic acid, which is acidic and polar, with glutamic acid, which is acidic and polar, at codon 308 of the CDH1 protein (p.Asp308Glu). This variant is not present in population databases (gnomAD no frequency). This variant has not been reported in the literature in individuals affected with CDH1-related conditions. ClinVar contains an entry for this variant (Variation ID: 1766336). An algorithm developed to predict the effect of missense changes on protein structure and function outputs the following: PolyPhen-2: "Benign". The glutamic acid amino acid residue is found in multiple mammalian species, which suggests that this missense change does not adversely affect protein function. In summary, the available evidence is currently insufficient to determine the role of this variant in disease. Therefore, it has been classified as a Variant of Uncertain Significance.

Ambry Genetics
Classification: Likely benign for Hereditary cancer-predisposing syndrome. Last evaluated: 2023-06-14. Review status: criteria provided, single submitter. Criteria: Ambry Variant Classification Scheme 2023. Collection method: clinical testing. Allele origin: germline.